The following is an entry in ClinVar:

ClinVar aggregate classification (germline): Uncertain significance. Review status: criteria provided, multiple submitters, no conflicts (2 of 4 stars). 2 submissions from 2 submitters: Uncertain significance (2). Last evaluated 2024-11-26.

Conditions:
Inborn genetic diseases. Identifiers: MedGen C0950123, MeSH D030342.
Wilms tumor 1 (WT1). Also called: Wilms tumor, somatic. Identifiers: Orphanet 654, MedGen CN033288, MONDO:0008679, OMIM 194070.
11p partial monosomy syndrome (WAGR). Also called: WAGR Spectrum Disorder; WAGR syndrome; WAGR Complex; CHROMOSOME 11p13 DELETION SYNDROME. Identifiers: Orphanet 893, MedGen C0206115, MONDO:0008681, OMIM 194072.
Frasier syndrome. Identifiers: Orphanet 347, MedGen C0950122, MeSH D052159, MONDO:0007635, OMIM 136680.
Drash syndrome (DDS). Also called: NEPHROPATHY, WILMS TUMOR, AND GENITAL ANOMALIES; WILMS TUMOR AND PSEUDO- OR TRUE HERMAPHRODITISM. Identifiers: Orphanet 220, MedGen C0950121, MONDO:0008682, OMIM 194080.

Allele frequency attached by ClinVar (database versions not stated): gnomAD exomes 0.00001.
gnomAD v4.1: 5 of 1,614,060 alleles (0.00031%); highest among the groups gnomAD compares: Non-Finnish European, 0.00042%; no homozygotes.

Submissions (2):

Ambry Genetics
Classification: Uncertain significance for Inborn genetic diseases. Last evaluated: 2024-11-26. Review status: criteria provided, single submitter. Criteria: Ambry Variant Classification Scheme 2023. Collection method: clinical testing. Allele origin: germline.
Comment: The p.C303G variant (also known as c.907T>G), located in coding exon 4 of the WT1 gene, results from a T to G substitution at nucleotide position 907. The cysteine at codon 303 is replaced by glycine, an amino acid with highly dissimilar properties. This amino acid position is conserved. In addition, this alteration is predicted to be deleterious by in silico analysis. Based on the available evidence, the clinical significance of this variant remains unclear.

Labcorp Genetics (formerly Invitae), Labcorp
Classification: Uncertain significance for Wilms tumor 1; Drash syndrome; 11p partial monosomy syndrome; Frasier syndrome. Last evaluated: 2024-05-07. Review status: criteria provided, single submitter. Criteria: Invitae Variant Classification Sherloc (09022015). Collection method: clinical testing. Allele origin: germline.
Comment: This sequence change replaces cysteine, which is neutral and slightly polar, with glycine, which is neutral and non-polar, at codon 303 of the WT1 protein (p.Cys303Gly). This variant is not present in population databases (gnomAD no frequency). This variant has not been reported in the literature in individuals affected with WT1-related conditions. ClinVar contains an entry for this variant (Variation ID: 834319). An algorithm developed to predict the effect of missense changes on protein structure and function (PolyPhen-2) suggests that this variant is likely to be disruptive. In summary, the available evidence is currently insufficient to determine the role of this variant in disease. Therefore, it has been classified as a Variant of Uncertain Significance.

NM_024426.6(WT1):c.922T>G (p.Cys308Gly)

Gene: WT1 (WT1 transcription factor; minus strand). Cytogenetic location: 11p13.
Variant type: single nucleotide variant.
Coding change: c.922T>G on transcript NM_024426.6 (MANE Select); coding-DNA position 922, T replaced by G.
Protein change: p.Cys308Gly; replaces cysteine 308 with glycine.
Molecular consequence: missense variant. On other transcripts: non-coding transcript variant (1).
Genome position (GRCh38, 1-based): chr11:32,417,620, A>C on the plus strand (T>G on the coding strand, the complement: WT1 is on the minus strand). VCF-style: chr11-32417620-A-C. GRCh37 (hg19) VCF-style: chr11-32439166-A-C.
Other names: c.922T>G, p.Cys308Gly (NM_000378.6, NM_001407044.1, NM_001407045.1 and 4 more transcripts); c.271T>G, p.Cys91Gly (NM_001198551.2, NM_001198552.2); c.799T>G, p.Cys267Gly (NM_001407047.1, NM_001407050.1); c.160T>G, p.Cys54Gly (NM_001407051.1); c.907T>G, p.Cys303Gly (NM_024425.2); short protein forms C308G, C91G, C303G, C267G, C54G.
Identifiers: ClinVar variation 834319 (VCV000834319.11), dbSNP rs1852718495, ClinGen allele CA379962146.